The following is an entry in ClinVar:

ClinVar aggregate classification (germline): Uncertain significance (1 of 4 stars; one submission).

Submission:

GeneDx
Classification: Uncertain significance. Last evaluated: 2026-02-24. Review status: criteria provided, single submitter. Criteria: GeneDx Variant Classification Process June 2021. Collection method: clinical testing. Allele origin: germline.
Comment: Not observed at significant frequency in large population cohorts (gnomAD); In silico analysis supports that this missense variant has a deleterious effect on protein structure/function; Has not been previously published as pathogenic or benign to our knowledge; This variant is associated with the following publications: (PMID: 25512093, 25609763, 26100331)

NM_001376.5(DYNC1H1):c.4750A>G (p.Lys1584Glu)

Gene: DYNC1H1 (dynein cytoplasmic 1 heavy chain 1; plus strand). Cytogenetic location: 14q32.31.
Variant type: single nucleotide variant.
Coding change: c.4750A>G on transcript NM_001376.5 (MANE Select); coding-DNA position 4750, A replaced by G.
Protein change: p.Lys1584Glu; replaces lysine 1584 with glutamic acid.
Molecular consequence: missense variant.
Genome position (GRCh38, 1-based): chr14:102,002,832, A>G. VCF-style: chr14-102002832-A-G. GRCh37 (hg19) VCF-style: chr14-102469169-A-G.
Other names: short protein forms K1584E.
Identifiers: ClinVar variation 5009701 (VCV005009701.1).
Genomic context (GRCh38, chr14:102,002,832, plus strand): 5'-TGTTTTAATTTCATTTGTAGCATCAGCACTGAGTTTTTGGCTCTAATGAAAAAAGTGTCC[A>G]AGTCTCCCCTTGTTATGGATGTTCTGAACATCCAGGGAGTACAGAGGTCTCTGGAAAGAT-3'
Protein context (NP_001367.2, residues 1574-1594): EFLALMKKVS[Lys1584Glu]SPLVMDVLNI